The following is an entry in ClinVar:

NM_001258392.3(CLPB):c.1692G>T (p.Arg564Ser)

Gene: CLPB (ClpB family mitochondrial disaggregase; minus strand). Cytogenetic location: 11q13.4.
Variant type: single nucleotide variant.
Coding change: c.1692G>T on transcript NM_001258392.3 (MANE Select); coding-DNA position 1692, G replaced by T.
Protein change: p.Arg564Ser; replaces arginine 564 with serine.
Molecular consequence: missense variant.
Genome position (GRCh38, 1-based): chr11:72,294,115, C>A on the plus strand (G>T on the coding strand, the complement: CLPB is on the minus strand). VCF-style: chr11-72294115-C-A. GRCh37 (hg19) VCF-style: chr11-72005159-C-A.
Other names: c.1605G>T, p.Arg535Ser (NM_001258393.3); c.1647G>T, p.Arg549Ser (NM_001258394.3); c.1782G>T, p.Arg594Ser (NM_030813.6); c.1782G>T (NM_030813.3); short protein forms R549S, R594S, R535S, R564S.
Identifiers: ClinVar variation 1367494 (VCV001367494.7), dbSNP rs778761751, ClinGen allele CA6171067.
Genomic context (GRCh38, chr11:72,294,115, plus strand): 5'-ATTGTAGCCGTCGACCAGCACATCTGCCACCTCGCGGTCCCAGAGCAGCGTGATGTTGTG[C>A]CTTTGCTTGGCCTGAGATGGGTCAGATAGAAGCATGCCTGCATGTGGCCCACTGCTTTCC-3'
Protein context (NP_001245321.1, residues 554-574): LNFWAKRAKQ[Arg564Ser]HNITLLWDRE

ClinVar aggregate classification (germline): Uncertain significance. Review status: criteria provided, multiple submitters, no conflicts (2 of 4 stars). 2 submissions from 2 submitters: Uncertain significance (2). Last evaluated 2022-08-17.

Conditions:
3-methylglutaconic aciduria, type VIIB (MGCA7B). Also called: CLPB Deficiency; 3-methylglutaconic aciduria with cataracts, neurologic involvement and neutropenia; 3-methylglutaconic aciduria, type VII, with cataracts, neurologic involvement and neutropenia. Identifiers: Orphanet 445038, MedGen C5676893, MONDO:0014561, OMIM 616271.
Inborn genetic diseases. Identifiers: MedGen C0950123, MeSH D030342.

Allele frequency attached by ClinVar (database versions not stated): gnomAD exomes 0.00001 and 0.00003; ExAC 0.00003.
gnomAD v4.1: 7 of 1,614,110 alleles (0.00043%); highest among the groups gnomAD compares: Admixed American, 0.012%; no homozygotes.

Submissions (2):

Ambry Genetics
Classification: Uncertain significance for Inborn genetic diseases. Last evaluated: 2022-08-17. Review status: criteria provided, single submitter. Criteria: Ambry Variant Classification Scheme 2023. Collection method: clinical testing. Allele origin: germline.

Labcorp Genetics (formerly Invitae), Labcorp
Classification: Uncertain significance for 3-methylglutaconic aciduria, type VIIB. Last evaluated: 2021-12-03. Review status: criteria provided, single submitter. Criteria: Invitae Variant Classification Sherloc (09022015). Collection method: clinical testing. Allele origin: germline.
Comment: In summary, the available evidence is currently insufficient to determine the role of this variant in disease. Therefore, it has been classified as a Variant of Uncertain Significance. Algorithms developed to predict the effect of missense changes on protein structure and function are either unavailable or do not agree on the potential impact of this missense change (SIFT: "Tolerated"; PolyPhen-2: "Probably Damaging"; Align-GVGD: "Class C0"). This variant has not been reported in the literature in individuals affected with CLPB-related conditions. This variant is present in population databases (rs778761751, gnomAD 0.02%). This sequence change replaces arginine, which is basic and polar, with serine, which is neutral and polar, at codon 594 of the CLPB protein (p.Arg594Ser).